The following is an entry in ClinVar:

ClinVar aggregate classification (germline): Uncertain significance (1 of 4 stars; one submission).

Conditions:
Cardiovascular phenotype. Identifiers: MedGen CN230736.

gnomAD v4.1: 1 of 1,579,856 alleles (0.000063%); highest among the groups gnomAD compares: East Asian, 0.0023%; no homozygotes.

Submission:

Ambry Genetics
Classification: Uncertain significance for Cardiovascular phenotype. Last evaluated: 2023-05-09. Review status: criteria provided, single submitter. Criteria: Ambry Variant Classification Scheme 2023. Collection method: clinical testing. Allele origin: germline.
Comment: The c.730-1G>A intronic alteration consists of a G to A substitution one nucleotide before coding exon 6 of the LMF1 gene. Alterations that disrupt the canonical splice site are expected to result in aberrant splicing. The resulting transcript is predicted to be in-frame and is not expected to trigger nonsense-mediated mRNA decay; however, direct evidence is unavailable. The exact functional effect of the altered amino acid sequence is unknown. This variant was not reported in population-based cohorts in the Genome Aggregation Database (gnomAD). This nucleotide position is highly conserved in available vertebrate species. In silico splice site analysis predicts that this alteration will weaken the native splice acceptor site and will result in the creation or strengthening of a novel splice acceptor site. Based on insufficient or conflicting evidence, the clinical significance of this alteration remains unclear.

NM_022773.4(LMF1):c.730-1G>A

Gene: LMF1 (lipase maturation factor 1; minus strand). Cytogenetic location: 16p13.3.
Variant type: single nucleotide variant.
Coding change: c.730-1G>A on transcript NM_022773.4 (MANE Select); the canonical splice acceptor site of the intron before coding-DNA position 730, G replaced by A.
Molecular consequence: splice acceptor variant.
Genome position (GRCh38, 1-based): chr16:879,738, C>T on the plus strand (G>A on the coding strand, the complement: LMF1 is on the minus strand). VCF-style: chr16-879738-C-T. GRCh37 (hg19) VCF-style: chr16-929738-C-T.
Other names: c.403-1G>A (NM_001352019.2); c.79-1G>A (NM_001352017.2, NM_001352021.2); c.331-1G>A (NM_001352018.2); c.730-1G>A (NM_001352020.1).
Identifiers: ClinVar variation 2542437 (VCV002542437.2), dbSNP rs1242460191, ClinGen allele CA394132059.